The following is an entry in ClinVar:

ClinVar aggregate classification (germline): Uncertain significance (1 of 4 stars; one submission).

Conditions:
RASopathy. Also called: Noonan spectrum disorder; rasopathies. Identifiers: Orphanet 536391, MedGen C5555857, MONDO:0021060.

Allele frequency attached by ClinVar (database versions not stated): gnomAD exomes below 0.00001 and 0.00001.
gnomAD v4.1: 2 of 1,614,070 alleles (0.00012%); highest among the groups gnomAD compares: South Asian, 0.0011%; no homozygotes.

Submission:

Labcorp Genetics (formerly Invitae), Labcorp
Classification: Uncertain significance for RASopathy. Last evaluated: 2021-04-28. Review status: criteria provided, single submitter. Criteria: Invitae Variant Classification Sherloc (09022015). Collection method: clinical testing. Allele origin: germline.
Comment: This variant is not present in population databases (ExAC no frequency). In summary, the available evidence is currently insufficient to determine the role of this variant in disease. Therefore, it has been classified as a Variant of Uncertain Significance. Algorithms developed to predict the effect of sequence changes on RNA splicing suggest that this variant may create or strengthen a splice site, but this prediction has not been confirmed by published transcriptional studies. Advanced modeling of protein sequence and biophysical properties (such as structural, functional, and spatial information, amino acid conservation, physicochemical variation, residue mobility, and thermodynamic stability) performed at Invitae indicates that this missense variant is not expected to disrupt CBL protein function. This variant has not been reported in the literature in individuals with CBL-related conditions. This sequence change replaces serine with glycine at codon 512 of the CBL protein (p.Ser512Gly). The serine residue is weakly conserved and there is a small physicochemical difference between serine and glycine.

NM_005188.4(CBL):c.1534A>G (p.Ser512Gly)

Gene: CBL (Cbl proto-oncogene; plus strand). Cytogenetic location: 11q23.3.
Variant type: single nucleotide variant.
Coding change: c.1534A>G on transcript NM_005188.4 (MANE Select); coding-DNA position 1534, A replaced by G.
Protein change: p.Ser512Gly; replaces serine 512 with glycine.
Molecular consequence: missense variant.
Genome position (GRCh38, 1-based): chr11:119,285,071, A>G. VCF-style: chr11-119285071-A-G. GRCh37 (hg19) VCF-style: chr11-119155781-A-G.
Other names: short protein forms S512G.
Identifiers: ClinVar variation 1429251 (VCV001429251.8), dbSNP rs1427688105, ClinGen allele CA382918426.